The following is an entry in ClinVar:

NM_003803.4(MYOM1):c.1933T>A (p.Ser645Thr)

Gene: MYOM1 (myomesin 1; minus strand). Cytogenetic location: 18p11.31.
Variant type: single nucleotide variant.
Coding change: c.1933T>A on transcript NM_003803.4 (MANE Select); coding-DNA position 1933, T replaced by A.
Protein change: p.Ser645Thr; replaces serine 645 with threonine.
Molecular consequence: missense variant.
Genome position (GRCh38, 1-based): chr18:3,142,031, A>T on the plus strand (T>A on the coding strand, the complement: MYOM1 is on the minus strand). VCF-style: chr18-3142031-A-T. GRCh37 (hg19) VCF-style: chr18-3142029-A-T.
Other names: c.1933T>A, p.Ser645Thr (NM_019856.2); short protein forms S645T.
Identifiers: ClinVar variation 653933 (VCV000653933.8), dbSNP rs780950206, ClinGen allele CA8874791.

ClinVar aggregate classification (germline): Uncertain significance (1 of 4 stars; one submission).

Conditions:
Hypertrophic cardiomyopathy. Also called: HYPERTROPHIC MYOCARDIOPATHY. Identifiers: Orphanet 217569, MedGen C0007194, MeSH D002312, MONDO:0005045, HP:0001639.

Allele frequency attached by ClinVar (database versions not stated): gnomAD exomes 0.00001 and 0.00002; TOPMed 0.00001; ExAC 0.00002; gnomAD 0.00002.
gnomAD v4.1: 33 of 1,613,740 alleles (0.002%); highest among the groups gnomAD compares: Non-Finnish European, 0.0026%; no homozygotes.

Submission:

Labcorp Genetics (formerly Invitae), Labcorp
Classification: Uncertain significance for Hypertrophic cardiomyopathy. Last evaluated: 2025-03-04. Review status: criteria provided, single submitter. Criteria: Invitae Variant Classification Sherloc (09022015). Collection method: clinical testing. Allele origin: germline.
Comment: This sequence change replaces serine, which is neutral and polar, with threonine, which is neutral and polar, at codon 645 of the MYOM1 protein (p.Ser645Thr). This variant is present in population databases (rs780950206, gnomAD 0.002%). This variant has not been reported in the literature in individuals affected with MYOM1-related conditions. ClinVar contains an entry for this variant (Variation ID: 653933). Invitae Evidence Modeling of protein sequence and biophysical properties (such as structural, functional, and spatial information, amino acid conservation, physicochemical variation, residue mobility, and thermodynamic stability) indicates that this missense variant is not expected to disrupt MYOM1 protein function with a negative predictive value of 80%. In summary, the available evidence is currently insufficient to determine the role of this variant in disease. Therefore, it has been classified as a Variant of Uncertain Significance.